The following is an entry in ClinVar:

NM_000540.3(RYR1):c.4455_4459dup (p.Lys1487fs)

Gene: RYR1 (ryanodine receptor 1; plus strand). Cytogenetic location: 19q13.2.
Variant type: Duplication.
Coding change: c.4455_4459dup on transcript NM_000540.3 (MANE Select); coding-DNA positions 4455 to 4459, 5 bases duplicated (CCTCA; older notation c.4455_4459dupCCTCA).
Protein change: p.Lys1487fs; shifts the reading frame from lysine 1487.
Molecular consequence: frameshift variant.
Genome position (GRCh38, 1-based): chr19:38,478,435-38,478,439, CCTCA duplicated. VCF-style (leftmost placement, unchanged base first): chr19-38478434-G-GCCTCA. GRCh37 (hg19) VCF-style: chr19-38969074-G-GCCTCA.
Other names: c.4455_4459dup, p.Lys1487fs (NM_001042723.2); c.4455_4459dupCCTCA (NM_000540.2); short protein forms K1487fs.
Identifiers: ClinVar variation 566658 (VCV000566658.9), dbSNP rs1568476007, ClinGen allele CA891844094.

ClinVar aggregate classification (germline): Pathogenic (1 of 4 stars; one submission).

Conditions:
RYR1-related disorder. Also called: RYR1-related disorders; RYR1-related condition. Identifiers: MedGen CN239331.

Submission:

Labcorp Genetics (formerly Invitae), Labcorp
Classification: Pathogenic for RYR1-related disorder. Last evaluated: 2022-07-25. Review status: criteria provided, single submitter. Criteria: Invitae Variant Classification Sherloc (09022015). Collection method: clinical testing. Allele origin: germline.
Comment: This sequence change creates a premature translational stop signal (p.Lys1487Thrfs*16) in the RYR1 gene. It is expected to result in an absent or disrupted protein product. Loss-of-function variants in RYR1 are known to be pathogenic (PMID: 20583297, 20839240, 23919265, 28818389). For these reasons, this variant has been classified as Pathogenic. Algorithms developed to predict the effect of sequence changes on RNA splicing suggest that this variant may disrupt the consensus splice site. ClinVar contains an entry for this variant (Variation ID: 566658). This variant has not been reported in the literature in individuals affected with RYR1-related conditions. This variant is not present in population databases (gnomAD no frequency).

Literature cited by the submitters: PubMed 20583297; PubMed 20839240; PubMed 23919265; PubMed 28818389.